The following is an entry in ClinVar:

NM_000718.4(CACNA1B):c.6236G>A (p.Gly2079Asp)

Gene: CACNA1B (calcium voltage-gated channel subunit alpha1 B; plus strand). Cytogenetic location: 9q34.3.
Variant type: single nucleotide variant.
Coding change: c.6236G>A on transcript NM_000718.4 (MANE Select); coding-DNA position 6236, G replaced by A.
Protein change: p.Gly2079Asp; replaces glycine 2079 with aspartic acid.
Molecular consequence: missense variant.
Genome position (GRCh38, 1-based): chr9:138,120,370, G>A. VCF-style: chr9-138120370-G-A. GRCh37 (hg19) VCF-style: chr9-141014822-G-A.
Other names: c.6236G>A, p.Gly2079Asp (NM_001243812.2); short protein forms G2079D.
Identifiers: ClinVar variation 1916523 (VCV001916523.5), dbSNP rs1035537297, ClinGen allele CA201872927.

ClinVar aggregate classification (germline): Uncertain significance (1 of 4 stars; one submission).

Allele frequency attached by ClinVar (database versions not stated): gnomAD 0.00001; TOPMed 0.00002.
gnomAD v4.1: 6 of 1,548,502 alleles (0.00039%); highest among the groups gnomAD compares: Non-Finnish European, 0.00052%; no homozygotes.

Submission:

Labcorp Genetics (formerly Invitae), Labcorp
Classification: Uncertain significance. Last evaluated: 2022-01-28. Review status: criteria provided, single submitter. Criteria: Invitae Variant Classification Sherloc (09022015). Collection method: clinical testing. Allele origin: germline.
Comment: This sequence change replaces glycine, which is neutral and non-polar, with aspartic acid, which is acidic and polar, at codon 2079 of the CACNA1B protein (p.Gly2079Asp). The frequency data for this variant in the population databases is considered unreliable, as metrics indicate poor data quality at this position in the gnomAD database. This variant has not been reported in the literature in individuals affected with CACNA1B-related conditions. Algorithms developed to predict the effect of missense changes on protein structure and function are either unavailable or do not agree on the potential impact of this missense change (SIFT: "Tolerated"; PolyPhen-2: "Possibly Damaging"; Align-GVGD: "Class C0"). In summary, the available evidence is currently insufficient to determine the role of this variant in disease. Therefore, it has been classified as a Variant of Uncertain Significance.